The following is an entry in ClinVar:

NM_031935.3(HMCN1):c.1442G>C (p.Ser481Thr)

Gene: HMCN1 (hemicentin 1; plus strand). Cytogenetic location: 1q31.1.
Variant type: single nucleotide variant.
Coding change: c.1442G>C on transcript NM_031935.3 (MANE Select); coding-DNA position 1442, G replaced by C.
Protein change: p.Ser481Thr; replaces serine 481 with threonine.
Molecular consequence: missense variant.
Genome position (GRCh38, 1-based): chr1:185,928,557, G>C. VCF-style: chr1-185928557-G-C. GRCh37 (hg19) VCF-style: chr1-185897689-G-C.
Other names: c.1442G>C (NM_031935.2); short protein forms S481T.
Identifiers: ClinVar variation 2185242 (VCV002185242.6), dbSNP rs1035479793, ClinGen allele CA33435907.
Genomic context (GRCh38, chr1:185,928,557, plus strand): 5'-TTGGTCTTATTTTATAGTAACTAAAAGTTTTCCATTTTCTTACCTCCAGAGAATCTGCCA[G>C]TGTGAACTTAGATATTGCAAAGGTCACTTTGTCTGACGAAGGTTTCTATGAATGCATTGC-3'
Protein context (NP_114141.2, residues 471-491): GVDQYLKESA[Ser481Thr]VNLDIAKVTL

ClinVar aggregate classification (germline): Uncertain significance. Review status: criteria provided, multiple submitters, no conflicts (2 of 4 stars). 3 submissions from 3 submitters: Uncertain significance (3). Last evaluated 2025-11-27.

Conditions:
Age related macular degeneration 1 (ARMD1). Also called: MACULOPATHY, AGE-RELATED, 1. Identifiers: MedGen C1864205, MONDO:0011285, OMIM 603075.

Allele frequency attached by ClinVar (database versions not stated): gnomAD exomes below 0.00001; gnomAD 0.00001; TOPMed 0.00002.
gnomAD v4.1: 12 of 1,613,016 alleles (0.00074%); highest among the groups gnomAD compares: Admixed American, 0.0017%; no homozygotes.

Submissions (3):

Labcorp Genetics (formerly Invitae), Labcorp
Classification: Uncertain significance. Last evaluated: 2025-11-27. Review status: criteria provided, single submitter. Criteria: Invitae Variant Classification Sherloc (09022015). Collection method: clinical testing. Allele origin: germline.
Comment: This sequence change replaces serine, which is neutral and polar, with threonine, which is neutral and polar, at codon 481 of the HMCN1 protein (p.Ser481Thr). This variant is present in population databases (no rsID available, gnomAD no frequency). This variant has not been reported in the literature in individuals affected with HMCN1-related conditions. ClinVar contains an entry for this variant (Variation ID: 2185242). An algorithm developed to predict the effect of missense changes on protein structure and function outputs the following: PolyPhen-2: "Benign". The threonine amino acid residue is found in multiple mammalian species, which suggests that this missense change does not adversely affect protein function. In summary, the available evidence is currently insufficient to determine the role of this variant in disease. Therefore, it has been classified as a Variant of Uncertain Significance.

Genome-Nilou Lab
Classification: Uncertain significance for Age related macular degeneration 1. Last evaluated: 2023-04-11. Review status: criteria provided, single submitter. Criteria: ACMG Guidelines, 2015. Collection method: clinical testing. Allele origin: germline. Affected: no.

Ambry Genetics
Classification: Uncertain significance. Last evaluated: 2022-05-25. Review status: criteria provided, single submitter. Criteria: Ambry Variant Classification Scheme 2023. Collection method: clinical testing. Allele origin: germline.